The following is an entry in ClinVar:

ClinVar aggregate classification (germline): Uncertain significance (1 of 4 stars; one submission).

Conditions:
Neuropathy, hereditary sensory and autonomic, type 2A (HSAN2A). Also called: ACROOSTEOLYSIS, GIACCAI TYPE; ACROOSTEOLYSIS, NEUROGENIC; WNK1-Related HSAN2 (HSAN2A); HSAN IIA; MORVAN DISEASE; NEUROPATHY, CONGENITAL SENSORY. Identifiers: Orphanet 970, MedGen C2752089, MONDO:0024309, OMIM 201300.
Pseudohypoaldosteronism type 2C (PHA2C). Also called: Pseudohypoaldosteronism Type IIC. Identifiers: Orphanet 757, Orphanet 88940, MedGen C1840391, MONDO:0013778, OMIM 614492.

Allele frequency attached by ClinVar (database versions not stated): gnomAD exomes below 0.00001; TOPMed below 0.00001.
gnomAD v4.1: 20 of 1,614,032 alleles (0.0012%); highest among the groups gnomAD compares: Non-Finnish European, 0.0017%; no homozygotes.

Submission:

Labcorp Genetics (formerly Invitae), Labcorp
Classification: Uncertain significance for Neuropathy, hereditary sensory and autonomic, type 2A; Pseudohypoaldosteronism type 2C. Last evaluated: 2025-07-02. Review status: criteria provided, single submitter. Criteria: Invitae Variant Classification Sherloc (09022015). Collection method: clinical testing. Allele origin: germline.
Comment: This sequence change replaces threonine, which is neutral and polar, with proline, which is neutral and non-polar, at codon 811 of the WNK1 protein (p.Thr811Pro). This variant is present in population databases (no rsID available, gnomAD 0.0009%). This variant has not been reported in the literature in individuals affected with WNK1-related conditions. ClinVar contains an entry for this variant (Variation ID: 956242). Invitae Evidence Modeling of protein sequence and biophysical properties (such as structural, functional, and spatial information, amino acid conservation, physicochemical variation, residue mobility, and thermodynamic stability) indicates that this missense variant is not expected to disrupt WNK1 protein function with a negative predictive value of 95%. In summary, the available evidence is currently insufficient to determine the role of this variant in disease. Therefore, it has been classified as a Variant of Uncertain Significance.

NM_213655.5(WNK1):c.2431A>C (p.Thr811Pro)

Gene: WNK1 (WNK lysine deficient protein kinase 1; plus strand). Cytogenetic location: 12p13.33.
Variant type: single nucleotide variant.
Coding change: c.2431A>C on transcript NM_213655.5 (MANE Plus Clinical); coding-DNA position 2431, A replaced by C.
Protein change: p.Thr811Pro; replaces threonine 811 with proline.
Molecular consequence: missense variant. On other transcripts: intron variant (2).
Genome position (GRCh38, 1-based): chr12:867,902, A>C. VCF-style: chr12-867902-A-C. GRCh37 (hg19) VCF-style: chr12-977068-A-C.
Other names: c.2176A>C, p.Thr726Pro (NM_001184985.2); c.2140-3363A>C (NM_018979.4, NM_014823.3); short protein forms T726P, T811P.
Identifiers: ClinVar variation 956242 (VCV000956242.9), dbSNP rs948030891, ClinGen allele CA231498351.